The following is an entry in ClinVar:

NM_000256.3(MYBPC3):c.3236G>A (p.Gly1079Asp)

Gene: MYBPC3 (myosin binding protein C3; minus strand). Cytogenetic location: 11p11.2.
Variant type: single nucleotide variant.
Coding change: c.3236G>A on transcript NM_000256.3 (MANE Select); coding-DNA position 3236, G replaced by A.
Protein change: p.Gly1079Asp; replaces glycine 1079 with aspartic acid.
Molecular consequence: missense variant.
Genome position (GRCh38, 1-based): chr11:47,333,288, C>T on the plus strand (G>A on the coding strand, the complement: MYBPC3 is on the minus strand). VCF-style: chr11-47333288-C-T. GRCh37 (hg19) VCF-style: chr11-47354839-C-T.
Other names: short protein forms G1079D.
Identifiers: ClinVar variation 2773707 (VCV002773707.2), dbSNP rs2495740206, ClinGen allele CA380314377.

ClinVar aggregate classification (germline): Uncertain significance (1 of 4 stars; one submission).

Conditions:
Cardiomyopathy (CMYO). Also called: Cardiomyopathies. Identifiers: Orphanet 167848, MedGen C0878544, MONDO:0004994, HP:0001638. Inheritance: Various modes of inheritance.

Submission:

Color Diagnostics, LLC DBA Color Health
Classification: Uncertain significance for Cardiomyopathy. Last evaluated: 2021-11-17. Review status: criteria provided, single submitter. Criteria: ACMG Guidelines, 2015. Collection method: clinical testing. Allele origin: germline.
Comment: This missense variant replaces glycine with aspartic acid at codon 1079 of the MYBPC3 protein. Computational prediction suggests that this variant may have deleterious impact on protein structure and function (internally defined REVEL score threshold >= 0.7, PMID: 27666373). To our knowledge, functional studies have not been reported for this variant. This variant has been reported in an individual affected dilated cardiomyopathy (PMID: 21750094). This variant has not been identified in the general population by the Genome Aggregation Database (gnomAD). The available evidence is insufficient to determine the role of this variant in disease conclusively. Therefore, this variant is classified as a Variant of Uncertain Significance.

Literature cited by the submitters: PubMed 21750094.